The following is an entry in ClinVar:

ClinVar aggregate classification (germline): Pathogenic (1 of 4 stars; one submission).

Conditions:
Inborn genetic diseases. Identifiers: MedGen C0950123, MeSH D030342.

Submission:

Ambry Genetics
Classification: Pathogenic for Inborn genetic diseases. Last evaluated: 2019-03-19. Review status: criteria provided, single submitter. Criteria: Ambry Variant Classification Scheme 2023. Collection method: clinical testing. Allele origin: germline.
Comment: The c.2483_2488delCTGGGGinsGA pathogenic mutation, located in coding exon 16 of the EHMT1 gene, results from the deletion of 6 nucleotides and insertion of two nucleotides causing a translational frameshift with a predicted alternate stop codon (p.A828Gfs*49). This alteration is expected to result in loss of function by premature protein truncation or nonsense-mediated mRNA decay. As such, this alteration is interpreted as a disease-causing mutation.

NM_024757.5(EHMT1):c.2483_2488delinsGA (p.Ala828fs)

Gene: EHMT1 (euchromatic histone lysine methyltransferase 1; plus strand). Cytogenetic location: 9q34.3.
Variant type: Indel.
Coding change: c.2483_2488delinsGA on transcript NM_024757.5 (MANE Select); coding-DNA positions 2483 to 2488, CTGGGG replaced by GA.
Protein change: p.Ala828fs; shifts the reading frame from alanine 828.
Molecular consequence: frameshift variant.
Genome position (GRCh38, 1-based): chr9:137,790,948-137,790,953, CTGGGG replaced by GA. VCF-style: chr9-137790948-CTGGGG-GA. GRCh37 (hg19) VCF-style: chr9-140685400-CTGGGG-GA.
Other names: c.2390_2395delinsGA, p.Ala797fs (NM_001354259.2); c.2462_2467delinsGA, p.Ala821fs (NM_001354263.2); short protein forms A797fs, A821fs, A828fs.
Identifiers: ClinVar variation 1791947 (VCV001791947.2), dbSNP rs2538203614, ClinGen allele CA2580080993.